The following continues an entry in ClinVar:

NM_000053.4(ATP7B):c.2304dup (p.Met769fs)

Gene: ATP7B. ClinVar aggregate classification (germline): Pathogenic/Likely pathogenic. Pathogenic (29); Likely pathogenic (1).

Submissions 27 to 32 of 32:

Women's Health and Genetics/Laboratory Corporation of America, LabCorp
Classification: Pathogenic for Wilson disease. Last evaluated: 2017-05-26. Review status: criteria provided, single submitter. Criteria: LabCorp Variant Classification Summary - May 2015. Collection method: clinical testing. Allele origin: germline.
Comment: Variant summary: The ATP7B c.2304dupC (p.Met769Hisfs) variant results in a premature termination codon, predicted to cause a truncated or absent ATP7B protein due to nonsense mediated decay, which are commonly known mechanisms for disease. Truncations downstream of this position have been classified as pathogenic by our laboratory (e.g. c.2336G>A, p.Trp779X; c.3402delC, p.Ala1135fs). One in silico tool predicts a damaging outcome for this variant. One functional study showed more than 50% decrease in ATPase activity in lymphoblasts a WD homozygote patient (Shah_AJHG_1997). The variant of interest has been found in a large, broad control population, ExAC in 8/120692 control chromosomes at a frequency of 0.0000663, which does not exceed the estimated maximal expected allele frequency of a pathogenic ATP7B variant (0.0054006). This variant has been reported in different cohorts of WD patients (heterozygotes and homozygotes) and is a known common disease variant present in 6% of Croatian patients and 8% Mediterranean populations (Sardinian, continental Italian, Turkish, Albanian)(Figus_AJHG_1995, Ljubic_Genetic Testing and Molecular Biomarkers_2016). In addition, multiple reputable databases classified this variant as pathogenic. Taken together, this variant is classified as pathogenic.

Juno Genomics, Hangzhou Juno Genomics, Inc
Classification: Pathogenic for Wilson disease. Review status: criteria provided, single submitter. Criteria: ACMG Guidelines, 2015. Collection method: clinical testing. Allele origin: germline. Affected: yes.
Comment: Absent from controls (or at extremely low frequency if recessive) in Genome Aggregation Database.;Null variant in a gene where loss of function (LOF) is a known mechanism of disease.;For recessive disorders, detected in trans with a pathogenic variant.;Co-segregation with disease in multiple affected family members.

Neuberg Centre For Genomic Medicine, NCGM
Classification: Pathogenic for Wilson disease. Review status: criteria provided, single submitter. Criteria: ACMG Guidelines, 2015. Collection method: clinical testing. Allele origin: germline. Inheritance: Autosomal recessive inheritance. Affected: yes.
Comment: The frameshift variant c.2304dup (p.Met769HisfsTer26) in the ATP7B gene has been reported previously in homozygous and compound heterozygous states in multiple individuals with Wilson disease (Weiss KH, et al., 2010, Wang LH, et al., 2011). An experimental study showed this variant caused a more than 50% decrease in ATPase activity in lymphoblasts in a homozygote patient affected with Wilson disease (Shah et al., 1997). The variant has 0.01% allele frequency in gnomAD Exomes. The variant is submitted to ClinVar as Pathogenic (multiple submissions). This variant causes a frameshift starting with codon Methionine 769, changes this amino acid to Histidine residue, and creates a premature Stop codon at position 26 of the new reading frame, denoted p.Met769HisfsTer26. This variant is predicted to cause a loss of normal protein function through protein truncation. Loss of function variants has been previously reported to be disease causing. For these reasons, this variant has been classified as Pathogenic.

Rady Children's Institute for Genomic Medicine, Rady Children's Hospital San Diego
Classification: Pathogenic for WILSON DISEASE. Review status: criteria provided, single submitter. Criteria: ACMG Guidelines, 2015. Collection method: clinical testing. Allele origin: germline. Affected: yes.
Comment: This variant is also known as c.2299insC or c.2298_2299insC in the literature. This frameshifting variant in exon 8 of 21 introduces a premature stop codon and is therefore predicted to result in loss of normal protein function through either protein truncation or nonsense-mediated mRNA decay (NMD). This variant has been previously reported as a compound heterozygous or homozygous change in multiple unrelated individuals with Wilson disease (PMID: 7626145, 24897373, 25390358). It is present in the heterozygous state in the gnomAD population database at a frequency of 0.011% (32/280946) and thus is presumed to be rare. Based on the available evidence, the c.2304dup (p.Met769HisfsTer26) variant is classified as Pathogenic.

Counsyl
Classification: Pathogenic for Wilson disease. Last evaluated: 2014-02-14. Review status: no assertion criteria provided. Collection method: clinical testing. Allele origin: unknown. Not counted in ClinVar's aggregate classification.

ClinVar Staff, National Center for Biotechnology Information (NCBI)
No classification provided. Condition: Wilson's disease. Review status: no classification provided. Collection method: not provided. Allele origin: not provided. Not counted in ClinVar's aggregate classification.

Literature cited by the submitters: PubMed 8533760 (cited by 5 submitters); PubMed 9311736 (cited by 5 submitters); PubMed 24897373 (cited by 5 submitters); PubMed 26253413 (cited by 4 submitters); PubMed 10441329 (cited by Labcorp Genetics (formerly Invitae), Labcorp); PubMed 16283883 (cited by 4 submitters); PubMed 15024742 (cited by 4 submitters); PubMed 20517649 (cited by 3 submitters); PubMed 21796144 (cited by 4 submitters); PubMed 22735241 (cited by 4 submitters); PubMed 25390358 (cited by 3 submitters); PubMed 25089800 (cited by Natera, Inc.); PubMed 24475083 (cited by Natera, Inc.); PubMed 34240825 (cited by Mayo Clinic Laboratories, Mayo Clinic); PubMed 35220961 (cited by Mayo Clinic Laboratories, Mayo Clinic); PubMed 35885998 (cited by Mayo Clinic Laboratories, Mayo Clinic); PubMed 37020998 (cited by Mayo Clinic Laboratories, Mayo Clinic); PubMed 37737146 (cited by Mayo Clinic Laboratories, Mayo Clinic); PubMed 23551039 (cited by All of Us Research Program, National Institutes of Health and Color Diagnostics, LLC DBA Color Health); PubMed 26799313 (cited by 3 submitters); PubMed 28717664 (cited by All of Us Research Program, National Institutes of Health and Color Diagnostics, LLC DBA Color Health); PubMed 30702195 (cited by All of Us Research Program, National Institutes of Health and Color Diagnostics, LLC DBA Color Health); PubMed 30884209 (cited by All of Us Research Program, National Institutes of Health and Color Diagnostics, LLC DBA Color Health); PubMed 31708252 (cited by All of Us Research Program, National Institutes of Health and Color Diagnostics, LLC DBA Color Health); PubMed 33804940 (cited by All of Us Research Program, National Institutes of Health and Color Diagnostics, LLC DBA Color Health); PubMed 34400371 (cited by All of Us Research Program, National Institutes of Health and Color Diagnostics, LLC DBA Color Health); PubMed 7626145 (cited by 4 submitters); PubMed 18034201 (cited by Ambry Genetics and Women's Health and Genetics/Laboratory Corporation of America, LabCorp); PubMed 21219664 (cited by Ambry Genetics); PubMed 23159873 (cited by Ambry Genetics); PubMed 23982005 (cited by Ambry Genetics); PubMed 28212618 (cited by Ambry Genetics); PubMed 23518715 (cited by Laboratory for Molecular Medicine, Mass General Brigham Personalized Medicine); PubMed 11216666 (cited by Women's Health and Genetics/Laboratory Corporation of America, LabCorp); PubMed 16133174 (cited by Women's Health and Genetics/Laboratory Corporation of America, LabCorp); PubMed 11690702 (cited by Women's Health and Genetics/Laboratory Corporation of America, LabCorp); PubMed 12557139 (cited by Women's Health and Genetics/Laboratory Corporation of America, LabCorp); PubMed 9199563 (cited by Women's Health and Genetics/Laboratory Corporation of America, LabCorp); PubMed 10544227 (cited by Women's Health and Genetics/Laboratory Corporation of America, LabCorp); PubMed 15952988 (cited by Women's Health and Genetics/Laboratory Corporation of America, LabCorp); PubMed 12885331 (cited by Women's Health and Genetics/Laboratory Corporation of America, LabCorp); PubMed 9801873 (cited by Women's Health and Genetics/Laboratory Corporation of America, LabCorp); PubMed 10502777 (cited by Women's Health and Genetics/Laboratory Corporation of America, LabCorp and Counsyl); PubMed 10502776 (cited by Counsyl); PubMed 9829905 (cited by Counsyl).